The following is an entry in ClinVar:

NM_000179.3(MSH6):c.3633_3646dup (p.Gly1216delinsValTrpMetAsnTer)

Gene: MSH6 (mutS homolog 6; plus strand). Cytogenetic location: 2p16.3.
Variant type: Duplication.
Coding change: c.3633_3646dup on transcript NM_000179.3 (MANE Select); coding-DNA positions 3633 to 3646, 14 bases duplicated (TGTGGATGAATTAG).
Protein change: p.Gly1216delinsValTrpMetAsnTer.
Molecular consequence: nonsense.
Genome position (GRCh38, 1-based): chr2:47,805,694-47,805,707, TGTGGATGAATTAG duplicated. VCF-style (leftmost placement, unchanged base first): chr2-47805693-T-TTGTGGATGAATTAG. GRCh37 (hg19) VCF-style: chr2-48032832-T-TTGTGGATGAATTAG.
Other names: c.3243_3256dup, p.Gly1086delinsValTrpMetAsnTer (NM_001281492.2); c.2727_2740dup, p.Gly914delinsValTrpMetAsnTer (NM_001281493.2, NM_001281494.2); c.3633_3646dupTGTGGATGAATTAG (NM_000179.2).
Identifiers: ClinVar variation 817672 (VCV000817672.4), dbSNP rs1572742114, ClinGen allele CA915943964.

ClinVar aggregate classification (germline): Pathogenic. Review status: criteria provided, multiple submitters, no conflicts (2 of 4 stars). 2 submissions from 2 submitters: Pathogenic (2). Last evaluated 2023-04-04.

Conditions:
Lynch syndrome 5 (LYNCH5). Also called: Hereditary non-polyposis colorectal cancer, type 5; Colorectal cancer, hereditary nonpolyposis, type 5. Identifiers: Orphanet 144, MedGen C1833477, MONDO:0013710, OMIM 614350. Disease mechanism: loss of function.

Submissions (2):

Myriad Genetics, Inc.
Classification: Pathogenic for Lynch syndrome 5. Last evaluated: 2023-04-04. Review status: criteria provided, single submitter. Criteria: Myriad Autosomal Dominant, Autosomal Recessive and X-Linked Classification Criteria (2023). Collection method: clinical testing. Allele origin: unknown.
Comment: This variant is considered pathogenic. This variant creates a frameshift predicted to result in premature protein truncation.

GeneDx
Classification: Pathogenic. Last evaluated: 2022-05-25. Review status: criteria provided, single submitter. Criteria: GeneDx Variant Classification Process June 2021. Collection method: clinical testing. Allele origin: germline. Affected: yes.
Comment: Frameshift variant predicted to result in protein truncation or nonsense mediated decay in a gene for which loss-of-function is a known mechanism of disease; Not observed at significant frequency in large population cohorts (gnomAD); Truncating variants in this gene are considered pathogenic by a well-established clinical consortium and/or database; Has not been previously published as pathogenic or benign to our knowledge